The following is an entry in ClinVar:

ClinVar aggregate classification (germline): Benign. Review status: criteria provided, single submitter (1 of 4 stars). 2 submissions from 2 submitters: Benign (1). 1 of the submissions does not count toward it. Last evaluated 2023-12-04.

Conditions:
HOXA11-related disorder. Also called: HOXA11-related condition.

Allele frequency attached by ClinVar (database versions not stated): gnomAD exomes 0.00008; gnomAD 0.00011; TOPMed 0.00015; ExAC 0.00025.
gnomAD v4.1: 127 of 1,612,544 alleles (0.0079%); highest among the groups gnomAD compares: East Asian, 0.27%; 1 homozygote.

Submissions (2):

Blueprint Genetics
Classification: Benign. Last evaluated: 2023-12-04. Review status: criteria provided, single submitter. Criteria: ACMG Guidelines, 2015. Collection method: clinical testing. Allele origin: germline.

PreventionGenetics, part of Exact Sciences
Classification: Likely benign for HOXA11-related condition. Last evaluated: 2019-06-27. Review status: no assertion criteria provided. Collection method: clinical testing. Allele origin: germline. Not counted in ClinVar's aggregate classification.
Comment: This variant is classified as likely benign based on ACMG/AMP sequence variant interpretation guidelines (Richards et al. 2015 PMID: 25741868, with internal and published modifications).

NM_005523.6(HOXA11):c.295G>A (p.Ala99Thr)

Genes: HOXA11 (homeobox A11; minus strand), LOC107126281 (NUP98-HOXA11 recombination region; plus strand). Cytogenetic location: 7p15.2.
Variant type: single nucleotide variant.
Coding change: c.295G>A on transcript NM_005523.6 (MANE Select); coding-DNA position 295, G replaced by A.
Protein change: p.Ala99Thr; replaces alanine 99 with threonine.
Molecular consequence: missense variant.
Genome position (GRCh38, 1-based): chr7:27,184,850, C>T on the plus strand (G>A on the coding strand, the complement: HOXA11 is on the minus strand). VCF-style: chr7-27184850-C-T. GRCh37 (hg19) VCF-style: chr7-27224469-C-T.
Other names: short protein forms A99T.
Identifiers: ClinVar variation 3034459 (VCV003034459.3), dbSNP rs771674623, ClinGen allele CA4198455.
Genomic context (GRCh38, chr7:27,184,850, plus strand): 5'-TGGGGTGGTGGTAGACGTTGGCCGAGCTCTTGGCCAGCACGTCGCCAGGCACGCCGGCCG[C>T]GCTGGGCGCCTGCAGGCAGTCTCTGTGCACGAGCTCCTCCGCGGAGTAGCAGTGGGCCAG-3'
Protein context (NP_005514.1, residues 89-109): VHRDCLQAPS[Ala99Thr]AGVPGDVLAK